The following is an entry in ClinVar:

ClinVar aggregate classification (germline): Uncertain significance (1 of 4 stars; one submission).

Conditions:
Early-infantile DEE. Also called: Ohtahara syndrome; Early infantile epileptic encephalopathy with suppression bursts; Early infantile epileptic encephalopathy. Identifiers: Orphanet 1934, MedGen C0393706, MONDO:0800491.

Allele frequency attached by ClinVar (database versions not stated): gnomAD exomes 0.00001; gnomAD 0.00002 and 0.00003; TOPMed 0.00002.

Submission:

Labcorp Genetics (formerly Invitae), Labcorp
Classification: Uncertain significance for Early-infantile DEE. Last evaluated: 2020-06-07. Review status: criteria provided, single submitter. Criteria: Invitae Variant Classification Sherloc (09022015). Collection method: clinical testing. Allele origin: germline.
Comment: In summary, the available evidence is currently insufficient to determine the role of this variant in disease. Therefore, it has been classified as a Variant of Uncertain Significance. Algorithms developed to predict the effect of missense changes on protein structure and function (SIFT, PolyPhen-2, Align-GVGD) all suggest that this variant is likely to be disruptive, but these predictions have not been confirmed by published functional studies and their clinical significance is uncertain. This variant has not been reported in the literature in individuals with KCNH5-related disease. This variant is not present in population databases (ExAC no frequency). This sequence change replaces arginine with tryptophan at codon 154 of the KCNH5 protein (p.Arg154Trp). The arginine residue is highly conserved and there is a moderate physicochemical difference between arginine and tryptophan.

NM_139318.5(KCNH5):c.460C>T (p.Arg154Trp)

Gene: KCNH5 (potassium voltage-gated channel subfamily H member 5; minus strand). Cytogenetic location: 14q23.2.
Variant type: single nucleotide variant.
Coding change: c.460C>T on transcript NM_139318.5 (MANE Select); coding-DNA position 460, C replaced by T.
Protein change: p.Arg154Trp; replaces arginine 154 with tryptophan.
Molecular consequence: missense variant.
Genome position (GRCh38, 1-based): chr14:62,987,161, G>A on the plus strand (C>T on the coding strand, the complement: KCNH5 is on the minus strand). VCF-style: chr14-62987161-G-A. GRCh37 (hg19) VCF-style: chr14-63453879-G-A.
Other names: c.460C>T, p.Arg154Trp (NM_172375.3); short protein forms R154W.
Identifiers: ClinVar variation 530526 (VCV000530526.8), dbSNP rs745970423, ClinGen allele CA262407379.